The following is an entry in ClinVar:

ClinVar aggregate classification (germline): Conflicting classifications of pathogenicity. Review status: criteria provided, conflicting classifications (1 of 4 stars). 2 submissions from 2 submitters: Uncertain significance (1); Likely benign (1). Last evaluated 2026-01-20.

Conditions:
Insulin-dependent diabetes mellitus secretory diarrhea syndrome (IPEX). Also called: Immunodysregulation, polyendocrinopathy, and enteropathy, X-linked; Immune dysregulation-polyendocrinopathy-enteropathy-X-linked syndrome; Immunodeficiency, Polyendocrinopathy, and Enteropathy X-Linked Syndrome; X-Linked Syndrome of Polyendocrinopathy, Immune Dysfunction, and Diarrhea; IMMUNODEFICIENCY, POLYENDOCRINOPATHY, AND ENTEROPATHY, X-LINKED; ENTEROPATHY, AUTOIMMUNE, WITH HEMOLYTIC ANEMIA AND POLYENDOCRINOPATHY. Identifiers: Orphanet 37042, MedGen C0342288, MONDO:0010580, OMIM 304790. Disease mechanism: loss of function.

Allele frequency attached by ClinVar (database versions not stated): TOPMed 0.00002; gnomAD 0.00004 and 0.00005; gnomAD exomes 0.00004; ExAC 0.00007; 1000 Genomes Project 30x 0.00042; 1000 Genomes Project 0.00053.
gnomAD v4.1: 56 of 1,188,125 alleles (0.0047%); highest among the groups gnomAD compares: Middle Eastern, 0.071%; no homozygotes.

Submissions (2):

Labcorp Genetics (formerly Invitae), Labcorp
Classification: Likely benign for Insulin-dependent diabetes mellitus secretory diarrhea syndrome. Last evaluated: 2026-01-20. Review status: criteria provided, single submitter. Criteria: Invitae Variant Classification Sherloc (09022015). Collection method: clinical testing. Allele origin: germline.

Women's Health and Genetics/Laboratory Corporation of America, LabCorp
Classification: Uncertain significance. Last evaluated: 2022-10-05. Review status: criteria provided, single submitter. Criteria: LabCorp Variant Classification Summary - May 2015. Collection method: clinical testing. Allele origin: germline.
Comment: Variant summary: FOXP3 c.323C>T (p.Thr108Met) results in a non-conservative amino acid change in the encoded protein sequence. Three of five in-silico tools predict a benign effect of the variant on protein function. The variant allele was found at a frequency of 4.4e-05 in 159764 control chromosomes, including two male hemizygotes (gnomAD). The available data on variant occurrences in the general population are insufficient to allow any conclusion about variant significance. These data do not allow any conclusion about variant significance. To our knowledge, no experimental evidence demonstrating an impact on protein function has been reported. Two clinical diagnostic laboratories have submitted clinical-significance assessments for this variant to ClinVar after 2014 without evidence for independent evaluation. One laboratory classified the variant as pathogenic, and one laboratory classified the variant as likely benign. Based on the evidence outlined above, the variant was classified as uncertain significance.

Literature cited by the submitters: PubMed 25363768 (cited by Women's Health and Genetics/Laboratory Corporation of America, LabCorp); PubMed 33046911 (cited by Women's Health and Genetics/Laboratory Corporation of America, LabCorp); PubMed 16630773 (cited by Women's Health and Genetics/Laboratory Corporation of America, LabCorp); PubMed 28993341 (cited by Women's Health and Genetics/Laboratory Corporation of America, LabCorp).

NM_014009.4(FOXP3):c.323C>T (p.Thr108Met)

Gene: FOXP3 (forkhead box P3; minus strand). Cytogenetic location: Xp11.23.
Variant type: single nucleotide variant.
Coding change: c.323C>T on transcript NM_014009.4 (MANE Select); coding-DNA position 323, C replaced by T.
Protein change: p.Thr108Met; replaces threonine 108 with methionine.
Molecular consequence: missense variant.
Genome position (GRCh38, 1-based): chrX:49,257,558, G>A on the plus strand (C>T on the coding strand, the complement: FOXP3 is on the minus strand). VCF-style: chrX-49257558-G-A. GRCh37 (hg19) VCF-style: chrX-49114015-G-A.
Other names: c.218C>T, p.Thr73Met (NM_001114377.2); short protein forms T108M, T73M.
Identifiers: ClinVar variation 1634973 (VCV001634973.11), dbSNP rs782572328, ClinGen allele CA10411824.